The following is an entry in ClinVar:

NM_001130438.3(SPTAN1):c.2525C>T (p.Ala842Val)

Gene: SPTAN1 (spectrin alpha, non-erythrocytic 1; plus strand). Cytogenetic location: 9q34.11.
Variant type: single nucleotide variant.
Coding change: c.2525C>T on transcript NM_001130438.3 (MANE Select); coding-DNA position 2525, C replaced by T.
Protein change: p.Ala842Val; replaces alanine 842 with valine.
Molecular consequence: missense variant.
Genome position (GRCh38, 1-based): chr9:128,584,808, C>T. VCF-style: chr9-128584808-C-T. GRCh37 (hg19) VCF-style: chr9-131347087-C-T.
Other names: p.Ala842Val; c.2525C>T, p.Ala842Val (NM_001438441.1, NM_001438442.1, NM_001438443.1 and 10 more transcripts); c.2561C>T, p.Ala854Val (NM_001375312.2, NM_001375318.1, NM_001438440.1); short protein forms A842V, A854V.
Identifiers: ClinVar variation 4075414 (VCV004075414.1).

ClinVar aggregate classification (germline): Uncertain significance (1 of 4 stars; one submission).

Conditions:
Developmental and epileptic encephalopathy, 5 (DEE5). Identifiers: Orphanet 3451, MedGen C3150731, MONDO:0013277, OMIM 613477.

Submission:

Department of Molecular Genetics, Istishari Arab Hospital
Classification: Uncertain significance for Developmental and epileptic encephalopathy, 5. Last evaluated: 2025-08-17. Review status: criteria provided, single submitter. Criteria: ACMG Guidelines, 2015. Collection method: clinical testing. Allele origin: germline. Inheritance: Autosomal dominant inheritance. Affected: yes.
Comment: The SPTAN1 variant c.2525C>T, p.Ala842Val causes an amino acid change from Ala to Val at position 842 in exon(s) no. 18 (of 57). To the best of our knowledge, this variant was not previously reported in the literature. It is not observed in the gnomAD v4.1.0 dataset. It is classified as a variant of uncertain significance (Class 3) based on ACMG/AMP/ClinGen SVI guidelines.